The following is an entry in ClinVar:

ClinVar aggregate classification (germline): Conflicting classifications of pathogenicity. Review status: criteria provided, conflicting classifications (1 of 4 stars). 2 submissions from 2 submitters: Uncertain significance (1); Likely benign (1). Last evaluated 2021-09-27.

Conditions:
Inborn genetic diseases. Identifiers: MedGen C0950123, MeSH D030342.

Allele frequency attached by ClinVar (database versions not stated): gnomAD exomes below 0.00001; TOPMed below 0.00001.
gnomAD v4.1: 6 of 1,609,176 alleles (0.00037%); highest among the groups gnomAD compares: Non-Finnish European, 0.00026%; no homozygotes.

Submissions (2):

Ambry Genetics
Classification: Likely benign for Inborn genetic diseases. Last evaluated: 2021-09-27. Review status: criteria provided, single submitter. Criteria: Ambry Variant Classification Scheme 2023. Collection method: clinical testing. Allele origin: germline.

Labcorp Genetics (formerly Invitae), Labcorp
Classification: Uncertain significance. Last evaluated: 2021-06-29. Review status: criteria provided, single submitter. Criteria: Invitae Variant Classification Sherloc (09022015). Collection method: clinical testing. Allele origin: germline.
Comment: This sequence change replaces arginine with glutamine at codon 5 of the C9 protein (p.Arg5Gln). The arginine residue is weakly conserved and there is a small physicochemical difference between arginine and glutamine. This variant is not present in population databases (ExAC no frequency). This variant has not been reported in the literature in individuals affected with C9-related conditions. Algorithms developed to predict the effect of missense changes on protein structure and function output the following: SIFT: "Not Available"; PolyPhen-2: "Benign"; Align-GVGD: "Not Available". The glutamine amino acid residue is found in multiple mammalian species, which suggests that this missense change does not adversely affect protein function. In summary, the available evidence is currently insufficient to determine the role of this variant in disease. Therefore, it has been classified as a Variant of Uncertain Significance.

NM_001737.5(C9):c.14G>A (p.Arg5Gln)

Gene: C9 (complement C9; minus strand). Cytogenetic location: 5p13.1.
Variant type: single nucleotide variant.
Coding change: c.14G>A on transcript NM_001737.5 (MANE Select); coding-DNA position 14, G replaced by A.
Protein change: p.Arg5Gln; replaces arginine 5 with glutamine.
Molecular consequence: missense variant.
Genome position (GRCh38, 1-based): chr5:39,364,451, C>T on the plus strand (G>A on the coding strand, the complement: C9 is on the minus strand). VCF-style: chr5-39364451-C-T. GRCh37 (hg19) VCF-style: chr5-39364553-C-T.
Other names: c.14G>A (NM_001737.3); short protein forms R5Q.
Identifiers: ClinVar variation 1463926 (VCV001463926.9), dbSNP rs1037082089, ClinGen allele CA117197830.
Genomic context (GRCh38, chr5:39,364,451, plus strand): 5'-GTCGTGTACTGTGCTGTGAGGATGCTTATTTCTAAAATGCAGATTGCAACTGCAAAGCTC[C>T]GGCAGGCTGACATGCTGCTCTTGCTGGGTGGCTGCGAGTGGGGTGGCAGGGCAGGTCTGG-3'
Protein context (NP_001728.1, residues 1-15): MSAC[Arg5Gln]SFAVAICILE